The following is an entry in ClinVar:

ClinVar aggregate classification (germline): Pathogenic (1 of 4 stars; one submission).

Submission:

Labcorp Genetics (formerly Invitae), Labcorp
Classification: Pathogenic. Last evaluated: 2023-02-17. Review status: criteria provided, single submitter. Criteria: Invitae Variant Classification Sherloc (09022015). Collection method: clinical testing. Allele origin: germline.
Comment: For these reasons, this variant has been classified as Pathogenic. This sequence change creates a premature translational stop signal (p.Asp218Thrfs*2) in the SPTB gene. It is expected to result in an absent or disrupted protein product. Loss-of-function variants in SPTB are known to be pathogenic (PMID: 1391962, 1498324, 8844207, 26830532, 27292444). This variant is not present in population databases (gnomAD no frequency). This variant has not been reported in the literature in individuals affected with SPTB-related conditions.

Literature cited by the submitters: PubMed 1391962; PubMed 1498324; PubMed 8844207; PubMed 26830532; PubMed 27292444.

NM_001355436.2(SPTB):c.651del (p.Asp218fs)

Gene: SPTB (spectrin beta, erythrocytic; minus strand). Cytogenetic location: 14q23.3.
Variant type: Deletion.
Coding change: c.651del on transcript NM_001355436.2 (MANE Select); coding-DNA position 651, one base deleted (C; older notation c.651delC).
Protein change: p.Asp218fs; shifts the reading frame from aspartic acid 218.
Molecular consequence: frameshift variant.
Genome position (GRCh38, 1-based): chr14:64,801,397, G deleted on the plus strand (C on the coding strand, the reverse complement: SPTB is on the minus strand); the first of 3 consecutive G bases (chr14:64,801,397-64,801,399); deleting any one gives the same sequence. VCF-style (leftmost placement, unchanged base first): chr14-64801396-CG-C. GRCh37 (hg19) VCF-style: chr14-65268114-CG-C.
Other names: c.651del, p.Asp218fs (NM_001024858.4, NM_001355437.2); short protein forms D218fs.
Identifiers: ClinVar variation 2838505 (VCV002838505.3), dbSNP rs2503207877, ClinGen allele CA2739277962.